The following is an entry in ClinVar:

NM_001365951.3(KIF1B):c.5327G>C (p.Gly1776Ala)

Gene: KIF1B (kinesin family member 1B; plus strand). Cytogenetic location: 1p36.22.
Variant type: single nucleotide variant.
Coding change: c.5327G>C on transcript NM_001365951.3 (MANE Select); coding-DNA position 5327, G replaced by C.
Protein change: p.Gly1776Ala; replaces glycine 1776 with alanine.
Molecular consequence: missense variant.
Genome position (GRCh38, 1-based): chr1:10,375,292, G>C. VCF-style: chr1-10375292-G-C. GRCh37 (hg19) VCF-style: chr1-10435350-G-C.
Other names: c.5327G>C, p.Gly1776Ala (NM_001365952.1); c.5189G>C, p.Gly1730Ala (NM_015074.3); short protein forms G1730A, G1776A.
Identifiers: ClinVar variation 1745896 (VCV001745896.3), dbSNP rs757161252, ClinGen allele CA582319.

ClinVar aggregate classification (germline): Uncertain significance (1 of 4 stars; one submission).

Allele frequency attached by ClinVar (database versions not stated): gnomAD exomes below 0.00001; TOPMed below 0.00001; ExAC 0.00001.
gnomAD v4.1: 2 of 1,614,126 alleles (0.00012%); highest among the groups gnomAD compares: Non-Finnish European, 0.00017%; no homozygotes.

Submission:

Ambry Genetics
Classification: Uncertain significance. Last evaluated: 2024-11-06. Review status: criteria provided, single submitter. Criteria: Ambry Variant Classification Scheme 2023. Collection method: clinical testing. Allele origin: germline.
Comment: The p.G1730A variant (also known as c.5189G>C), located in coding exon 45 of the KIF1B gene, results from a G to C substitution at nucleotide position 5189. The glycine at codon 1730 is replaced by alanine, an amino acid with similar properties. This amino acid position is highly conserved in available vertebrate species. In addition, the in silico prediction for this alteration is inconclusive. The evidence for this gene-disease relationship is limited; therefore, the clinical significance of this alteration is unclear.